The following is an entry in ClinVar:

ClinVar aggregate classification (germline): Likely benign. Review status: criteria provided, single submitter (1 of 4 stars). 2 submissions from 2 submitters: Likely benign (1). 1 of the submissions does not count toward it. Last evaluated 2025-12-16.

Conditions:
FGFRL1-related disorder. Also called: FGFRL1-related condition.

Submissions (2):

Labcorp Genetics (formerly Invitae), Labcorp
Classification: Likely benign. Last evaluated: 2025-12-16. Review status: criteria provided, single submitter. Criteria: Invitae Variant Classification Sherloc (09022015). Collection method: clinical testing. Allele origin: germline.

PreventionGenetics, part of Exact Sciences
Classification: Likely benign for FGFRL1-related condition. Last evaluated: 2019-03-29. Review status: no assertion criteria provided. Collection method: clinical testing. Allele origin: germline. Not counted in ClinVar's aggregate classification.
Comment: This variant is classified as likely benign based on ACMG/AMP sequence variant interpretation guidelines (Richards et al. 2015 PMID: 25741868, with internal and published modifications).

NM_001004356.3(FGFRL1):c.1452_1455dup (p.Ser486fs)

Gene: FGFRL1 (fibroblast growth factor receptor like 1; plus strand). Cytogenetic location: 4p16.3.
Variant type: Microsatellite.
Coding change: c.1452_1455dup on transcript NM_001004356.3 (MANE Select); coding-DNA positions 1452 to 1455, 4 bases duplicated (ACAC; older notation c.1452_1455dupACAC).
Protein change: p.Ser486fs; shifts the reading frame from serine 486.
Molecular consequence: frameshift variant.
Genome position (GRCh38, 1-based): chr4:1,025,284-1,025,287, ACAC duplicated; duplicating any 4 consecutive bases within chr4:1,025,267-1,025,287 gives the same sequence; the c. name uses the placement nearest the transcript's 3' end. VCF-style (leftmost placement, unchanged base first): chr4-1025266-C-CCACA. GRCh37 (hg19) VCF-style: chr4-1019054-C-CCACA.
Other names: c.1452_1455dup, p.Ser486fs (NM_001004358.1, NM_001370296.1, NM_021923.3); c.1452_1455dup (NM_001004356.2); short protein forms S486fs.
Identifiers: ClinVar variation 725937 (VCV000725937.10), dbSNP rs145808953, ClinGen allele CA2803115.